The following is an entry in ClinVar:

NM_000179.3(MSH6):c.1859del (p.Gly620fs)

Gene: MSH6 (mutS homolog 6; plus strand). Cytogenetic location: 2p16.3.
Variant type: Deletion.
Coding change: c.1859del on transcript NM_000179.3 (MANE Select); coding-DNA position 1859, one base deleted (G; older notation c.1859delG).
Protein change: p.Gly620fs; shifts the reading frame from glycine 620.
Molecular consequence: frameshift variant. On other transcripts: non-coding transcript variant (5), intron variant (2).
Genome position (GRCh38, 1-based): chr2:47,799,842, G deleted; the last of 2 consecutive G bases (chr2:47,799,841-47,799,842); deleting either gives the same sequence. VCF-style (leftmost placement, unchanged base first): chr2-47799840-AG-A. GRCh37 (hg19) VCF-style: chr2-48026979-AG-A.
Other names: c.1469del, p.Gly490fs (NM_001281492.2); c.953del, p.Gly318fs (NM_001281493.2, NM_001281494.2, NM_001406811.1 and 6 more transcripts); c.1955del, p.Gly652fs (NM_001406795.1, NM_001406802.1); c.1859del, p.Gly620fs (NM_001406796.1, NM_001406798.1, NM_001406800.1 and 3 more transcripts); c.1562del, p.Gly521fs (NM_001406797.1, NM_001406801.1, NM_001406805.1 and 10 more transcripts); c.1334del, p.Gly445fs (NM_001406799.1, NM_001406806.1, NM_001406807.1); c.1781del, p.Gly594fs (NM_001406804.1); c.1865del, p.Gly622fs (NM_001406813.1); and 3 more; short protein forms G318fs, G445fs, G490fs, G521fs, G564fs, G594fs, G620fs, G622fs.
Identifiers: ClinVar variation 2673596 (VCV002673596.1), dbSNP rs2530634618, ClinGen allele CA2695200634.

ClinVar aggregate classification (germline): Pathogenic (1 of 4 stars; one submission).

Conditions:
Lynch syndrome 5 (LYNCH5). Also called: Colorectal cancer, hereditary nonpolyposis, type 5; Hereditary non-polyposis colorectal cancer, type 5. Identifiers: Orphanet 144, MedGen C1833477, MONDO:0013710, OMIM 614350. Disease mechanism: loss of function.

Submission:

Myriad Genetics, Inc.
Classification: Pathogenic for Lynch syndrome 5. Last evaluated: 2023-08-16. Review status: criteria provided, single submitter. Criteria: Myriad Autosomal Dominant, Autosomal Recessive and X-Linked Classification Criteria (2023). Collection method: clinical testing. Allele origin: unknown.
Comment: This variant is considered pathogenic. This variant creates a frameshift predicted to result in premature protein truncation.